The following is an entry in ClinVar:

ClinVar aggregate classification (germline): Uncertain significance (1 of 4 stars; one submission).

Submission:

Labcorp Genetics (formerly Invitae), Labcorp
Classification: Uncertain significance. Last evaluated: 2022-04-19. Review status: criteria provided, single submitter. Criteria: Invitae Variant Classification Sherloc (09022015). Collection method: clinical testing. Allele origin: germline.
Comment: In summary, the available evidence is currently insufficient to determine the role of this variant in disease. Therefore, it has been classified as a Variant of Uncertain Significance. This sequence change replaces histidine, which is basic and polar, with proline, which is neutral and non-polar, at codon 461 of the COMP protein (p.His461Pro). This variant is not present in population databases (gnomAD no frequency). This variant has not been reported in the literature in individuals affected with COMP-related conditions. Advanced modeling of protein sequence and biophysical properties (such as structural, functional, and spatial information, amino acid conservation, physicochemical variation, residue mobility, and thermodynamic stability) performed at Invitae indicates that this missense variant is not expected to disrupt COMP protein function.

NM_000095.3(COMP):c.1382A>C (p.His461Pro)

Gene: COMP (cartilage oligomeric matrix protein; minus strand). Cytogenetic location: 19p13.11.
Variant type: single nucleotide variant.
Coding change: c.1382A>C on transcript NM_000095.3 (MANE Select); coding-DNA position 1382, A replaced by C.
Protein change: p.His461Pro; replaces histidine 461 with proline.
Molecular consequence: missense variant.
Genome position (GRCh38, 1-based): chr19:18,786,072, T>G on the plus strand (A>C on the coding strand, the complement: COMP is on the minus strand). VCF-style: chr19-18786072-T-G. GRCh37 (hg19) VCF-style: chr19-18896882-T-G.
Other names: short protein forms H461P.
Identifiers: ClinVar variation 1413746 (VCV001413746.8), dbSNP rs1240395163, ClinGen allele CA404884806.
Genomic context (GRCh38, chr19:18,786,072, plus strand): 5'-CGACTGTCAGGGACTCCGTCATTGTCGTCGTCGTCGTCGCAGGCATCACCCTGGCCATCG[T>G]GGTCTGAGTCCTCCTGGGCACTGTTAGGCACCGTGGGACAGTTGTCCCGAGAGTCCTGAT-3'
Protein context (NP_000086.2, residues 451-471): VPNSAQEDSD[His461Pro]DGQGDACDDD